The following is an entry in ClinVar:

ClinVar aggregate classification (germline): Likely pathogenic. Review status: criteria provided, single submitter (1 of 4 stars). 2 submissions from 2 submitters: Likely pathogenic (1). 1 of the submissions does not count toward it. Last evaluated 2016-12-15.

Conditions:
Ornithine carbamoyltransferase deficiency (OTCD). Also called: ORNITHINE TRANSCARBAMYLASE DEFICIENCY, HYPERAMMONEMIA DUE TO; ORNITHINE TRANSCARBAMYLASE DEFICIENCY; OTC DEFICIENCY; Ornithine Carbamoyltransferase Deficiency Disease. Identifiers: Orphanet 664, MedGen C0268542, MONDO:0010703, OMIM 311250.

Submissions (2):

Women's Health and Genetics/Laboratory Corporation of America, LabCorp
Classification: Likely pathogenic for Ornithine carbamoyltransferase deficiency. Last evaluated: 2016-12-15. Review status: criteria provided, single submitter. Criteria: LabCorp Variant Classification Summary - May 2015. Collection method: clinical testing. Allele origin: germline.
Comment: Variant summary: The OTC c.418G>C (p.Ala140Pro) variant involves the alteration of a conserved nucleotide and results in a replacement of a small size and hydrophobic Alanine (A) with a medium size and hydrophobic Proline (P) in the Carbamoyl phosphate binding domain of the OTC enzyme (ACMG-PM1). 5/5 in silico tools predict a damaging outcome for this substitution (ACMG-PP3). This variant is absent form the general population (ExAC) (ACMG-PM2) while it was reported in at-least 3 biochemically and clinically well characterized neonatal onset OTC deficiency patients indicating causality. In addition, at-least one clinical diagnostic laboratory has classified this variant as pathogenic (ACMG-PP5). However, the effect of this variant on functional OTC enzyme deficiency has not been reported. Taken together, this variant is classified as Likely Pathogenic.

GenMed Metabolism Lab
Classification: Pathogenic. Review status: no assertion criteria provided. Collection method: not provided. Allele origin: unknown. Not counted in ClinVar's aggregate classification.
Comment: p.Ala140Pro, Neonatal
ClinVar note: Converted during submission from pathogenic to Pathogenic.

Literature cited by the submitters: PubMed 25994866 (cited by Women's Health and Genetics/Laboratory Corporation of America, LabCorp); PubMed 17041896 (cited by Women's Health and Genetics/Laboratory Corporation of America, LabCorp); PubMed 16786505 (cited by Women's Health and Genetics/Laboratory Corporation of America, LabCorp).

NM_000531.6(OTC):c.418G>C (p.Ala140Pro)

Gene: OTC (ornithine transcarbamylase; plus strand). Cytogenetic location: Xp11.4.
Variant type: single nucleotide variant.
Coding change: c.418G>C on transcript NM_000531.6 (MANE Select); coding-DNA position 418, G replaced by C.
Protein change: p.Ala140Pro; replaces alanine 140 with proline.
Molecular consequence: missense variant.
Genome position (GRCh38, 1-based): chrX:38,401,306, G>C. VCF-style: chrX-38401306-G-C. GRCh37 (hg19) VCF-style: chrX-38260559-G-C.
Other names: short protein forms A140P.
Identifiers: ClinVar variation 97196 (VCV000097196.2), dbSNP rs72556260, ClinGen allele CA224595.
Genomic context (GRCh38, chrX:38,401,306, plus strand): 5'-TAGATTATCTTTTTCTTGGTTTGCCACAGTGTATTGTCTAGCATGGCAGATGCAGTATTG[G>C]CTCGAGTGTATAAACAATCAGATTTGGACACCCTGGCTAAAGAAGCATCCATCCCAATTA-3'
Protein context (NP_000522.3, residues 130-150): VLSSMADAVL[Ala140Pro]RVYKQSDLDT